The following is an entry in ClinVar:

ClinVar aggregate classification (germline): Benign/Likely benign. Review status: criteria provided, multiple submitters, no conflicts (2 of 4 stars). 2 submissions from 2 submitters: Benign (1); Likely benign (1). Last evaluated 2026-03-07.

Conditions:
Familial adenomatous polyposis 1 (FAP1). Also called: FAMILIAL ADENOMATOUS POLYPOSIS 1, ATTENUATED; POLYPOSIS, ADENOMATOUS INTESTINAL. Identifiers: MedGen C2713442, MONDO:0021056, OMIM 175100. Disease mechanism: loss of function.
Hereditary cancer-predisposing syndrome. Also called: Tumor predisposition; Hereditary Cancer Syndrome; Hereditary neoplastic syndrome; Neoplastic Syndromes, Hereditary. Identifiers: Orphanet 140162, MedGen C0027672, MeSH D009386, MONDO:0015356.

Submissions (2):

Ambry Genetics
Classification: Likely benign for Hereditary cancer-predisposing syndrome. Last evaluated: 2026-03-07. Review status: criteria provided, single submitter. Criteria: Ambry Variant Classification Scheme 2023. Collection method: clinical testing. Allele origin: germline.

Myriad Genetics, Inc.
Classification: Benign for Familial adenomatous polyposis 1. Last evaluated: 2024-03-12. Review status: criteria provided, single submitter. Criteria: Myriad Autosomal Dominant, Autosomal Recessive and X-Linked Classification Criteria (2023). Collection method: clinical testing. Allele origin: unknown.
Comment: This variant is considered benign. This variant is a silent/synonymous amino acid change and it is not expected to impact splicing.

NM_000038.6(APC):c.2445T>C (p.Asn815=)

Gene: APC (APC regulator of Wnt signaling pathway; plus strand). Cytogenetic location: 5q22.2.
Variant type: single nucleotide variant.
Coding change: c.2445T>C on transcript NM_000038.6 (MANE Select); coding-DNA position 2445, T replaced by C.
Protein change: p.Asn815=; no amino-acid change (asparagine 815 retained).
Molecular consequence: synonymous variant. On other transcripts: non-coding transcript variant (2).
Genome position (GRCh38, 1-based): chr5:112,838,039, T>C. VCF-style: chr5-112838039-T-C. GRCh37 (hg19) VCF-style: chr5-112173736-T-C.
Other names: c.2445T>C (NM_000038.5); c.2445T>C, p.Asn815= (NM_001127510.3, NM_001354895.2, NM_001407450.1); c.2391T>C, p.Asn797= (NM_001127511.3); c.2499T>C, p.Asn833= (NM_001354896.2, NM_001407447.1, NM_001407448.1 and 1 more transcripts); c.2475T>C, p.Asn825= (NM_001354897.2); c.2370T>C, p.Asn790= (NM_001354898.2); c.2361T>C, p.Asn787= (NM_001354899.2); c.2322T>C, p.Asn774= (NM_001354900.2); and 12 more.
Identifiers: ClinVar variation 3148783 (VCV003148783.2), dbSNP rs2149869638, ClinGen allele CA445963491.